The following is an entry in ClinVar:

NM_001458.5(FLNC):c.5897C>A (p.Ser1966Ter)

Genes: FLNC (filamin C; plus strand), FLNC-AS1 (FLNC antisense RNA 1; minus strand). Cytogenetic location: 7q32.1.
Variant type: single nucleotide variant.
Coding change: c.5897C>A on transcript NM_001458.5 (MANE Select); coding-DNA position 5897, C replaced by A.
Protein change: p.Ser1966Ter; replaces serine 1966 with a stop codon.
Molecular consequence: nonsense.
Genome position (GRCh38, 1-based): chr7:128,852,645, C>A. VCF-style: chr7-128852645-C-A. GRCh37 (hg19) VCF-style: chr7-128492699-C-A.
Other names: c.5798C>A, p.Ser1933Ter (NM_001127487.2); short protein forms S1933*, S1966*.
Identifiers: ClinVar variation 1802215 (VCV001802215.3), dbSNP rs1274340353, ClinGen allele CA369209061.

ClinVar aggregate classification (germline): Likely pathogenic (1 of 4 stars; one submission).

Conditions:
Primary dilated cardiomyopathy (DCM). Also called: Dilated Cardiomyopathy. Identifiers: Orphanet 217604, MedGen C0007193, MeSH D002311, MONDO:0005021, HP:0001644. Inheritance: Various modes of inheritance.

Submission:

Diagnostics Services (NGS), CSIR - Centre For Cellular And Molecular Biology
Classification: Likely pathogenic for Primary dilated cardiomyopathy. Last evaluated: 2022-07-29. Review status: criteria provided, single submitter. Criteria: ACMG Guidelines, 2015. Collection method: clinical testing. Allele origin: unknown. Affected: yes. Observed: 1 variant allele, 1 heterozygote.
Comment: The c.5897C>A variant is not present in publicly available population databases like 1000 Genomes, EVS, ExAC, gnomAD and Indian Exome Database. The variant is not present in our in-house exome database. The variant was not reported to ClinVar, HGMD and/or OMIM databases, in any affected individuals. In-silico pathogenicity prediction programs like MutationTaster2, CADD, Varsome, InterVar etc. predicted this variant to be likely deleterious. The variant creates a premature translational stop signal at the 1966th amino acid position of the original transcript that either may results into a truncated protein or causes nonsense mediated decay of the mRNA.

Literature cited by the submitters: PubMed 28008423; PubMed 30354339.